The following is an entry in ClinVar:

ClinVar aggregate classification (germline): Likely benign (0 of 4 stars; one submission).

Conditions:
MBD6-related disorder. Also called: MBD6-related condition.

gnomAD v4.1: 1 of 1,600,564 alleles (0.000062%); highest among the groups gnomAD compares: Non-Finnish European, 0.000085%; no homozygotes.

Submission:

PreventionGenetics, part of Exact Sciences
Classification: Likely benign for MBD6-related condition. Last evaluated: 2019-04-05. Review status: no assertion criteria provided. Collection method: clinical testing. Allele origin: germline.
Comment: This variant is classified as likely benign based on ACMG/AMP sequence variant interpretation guidelines (Richards et al. 2015 PMID: 25741868, with internal and published modifications).

NM_052897.4(MBD6):c.63C>T (p.Val21=)

Gene: MBD6 (methyl-CpG binding domain protein 6; plus strand). Cytogenetic location: 12q13.3.
Variant type: single nucleotide variant.
Coding change: c.63C>T on transcript NM_052897.4 (MANE Select); coding-DNA position 63, C replaced by T.
Protein change: p.Val21=; no amino-acid change (valine 21 retained).
Molecular consequence: synonymous variant.
Genome position (GRCh38, 1-based): chr12:57,524,366, C>T. VCF-style: chr12-57524366-C-T. GRCh37 (hg19) VCF-style: chr12-57918149-C-T.
Identifiers: ClinVar variation 3353044 (VCV003353044.1).
Genomic context (GRCh38, chr12:57,524,366, plus strand): 5'-GAATGGGGGCAATGAGAGCAGTGGAGCAGACAGAGCTGGGGGCCCTGTGGCCACATCTGT[C>T]CCCATCGGCTGGCAGCGCTGTGTGCGAGAGGGTGCTGTGCTCTACATCAGGTACGGATCT-3'
Protein context (NP_443129.3, residues 11-31): DRAGGPVATS[Val21=]PIGWQRCVRE